The following is an entry in ClinVar:

ClinVar aggregate classification (germline): Uncertain significance (1 of 4 stars; one submission).

Conditions:
Combined malonic and methylmalonic acidemia. Identifiers: Orphanet 289504, MedGen C3280314, MONDO:0013661, OMIM 614265.

Allele frequency attached by ClinVar (database versions not stated): TOPMed below 0.00001.
gnomAD v4.1: 24 of 1,613,892 alleles (0.0015%); highest among the groups gnomAD compares: East Asian, 0.0045%; no homozygotes.

Submission:

Labcorp Genetics (formerly Invitae), Labcorp
Classification: Uncertain significance for Combined malonic and methylmalonic acidemia. Last evaluated: 2022-09-07. Review status: criteria provided, single submitter. Criteria: Invitae Variant Classification Sherloc (09022015). Collection method: clinical testing. Allele origin: germline.
Comment: This sequence change replaces valine, which is neutral and non-polar, with methionine, which is neutral and non-polar, at codon 237 of the ACSF3 protein (p.Val237Met). The frequency data for this variant in the population databases is considered unreliable, as metrics indicate poor data quality at this position in the gnomAD database. This variant has not been reported in the literature in individuals affected with ACSF3-related conditions. Algorithms developed to predict the effect of missense changes on protein structure and function are either unavailable or do not agree on the potential impact of this missense change (SIFT: "Tolerated"; PolyPhen-2: "Probably Damaging"; Align-GVGD: "Class C0"). In summary, the available evidence is currently insufficient to determine the role of this variant in disease. Therefore, it has been classified as a Variant of Uncertain Significance.

NM_001243279.3(ACSF3):c.709G>A (p.Val237Met)

Gene: ACSF3 (acyl-CoA synthetase family member 3; plus strand). Cytogenetic location: 16q24.3.
Variant type: single nucleotide variant.
Coding change: c.709G>A on transcript NM_001243279.3 (MANE Select); coding-DNA position 709, G replaced by A.
Protein change: p.Val237Met; replaces valine 237 with methionine.
Molecular consequence: missense variant. On other transcripts: 5 prime UTR variant (1), non-coding transcript variant (3).
Genome position (GRCh38, 1-based): chr16:89,102,646, G>A. VCF-style: chr16-89102646-G-A. GRCh37 (hg19) VCF-style: chr16-89169054-G-A.
Other names: c.709G>A, p.Val237Met (NM_001127214.4, NM_174917.5); c.-87G>A (NM_001284316.2); short protein forms V237M.
Identifiers: ClinVar variation 2173839 (VCV002173839.1), dbSNP rs763619768, ClinGen allele CA8237769.
Genomic context (GRCh38, chr16:89,102,646, plus strand): 5'-TGCTCTCGTCCCCTGCAGGTGACCGGGCTGGTCCACAAGTGGGCATGGACCAAAGACGAC[G>A]TGATCCTCCACGTGCTCCCGCTGCACCACGTCCATGGTGTGGTCAACGCGCTGCTCTGTC-3'
Protein context (NP_001230208.1, residues 227-247): VHKWAWTKDD[Val237Met]ILHVLPLHHV